The following is an entry in ClinVar:

NM_004453.4(ETFDH):c.1244T>C (p.Phe415Ser)

Gene: ETFDH (electron transfer flavoprotein dehydrogenase; plus strand). Cytogenetic location: 4q32.1.
Variant type: single nucleotide variant.
Coding change: c.1244T>C on transcript NM_004453.4 (MANE Select); coding-DNA position 1244, T replaced by C.
Protein change: p.Phe415Ser; replaces phenylalanine 415 with serine.
Molecular consequence: missense variant.
Genome position (GRCh38, 1-based): chr4:158,703,550, T>C. VCF-style: chr4-158703550-T-C. GRCh37 (hg19) VCF-style: chr4-159624702-T-C.
Other names: c.1103T>C, p.Phe368Ser (NM_001281737.2); c.1061T>C, p.Phe354Ser (NM_001281738.1); short protein forms F354S, F368S, F415S.
Identifiers: ClinVar variation 2170179 (VCV002170179.3), dbSNP rs1050622882, ClinGen allele CA108817277.

ClinVar aggregate classification (germline): Uncertain significance (1 of 4 stars; one submission).

Conditions:
Multiple acyl-CoA dehydrogenase deficiency (MADD). Also called: Glutaric Acidemia type 2; ETHYLMALONIC-ADIPICACIDURIA; GA II; Glutaric aciduria, type 2; Glutaric acidemia type II; GA 2. Identifiers: Orphanet 26791, MedGen C0268596, MONDO:0009282, OMIM 231680.

Allele frequency attached by ClinVar (database versions not stated): gnomAD exomes below 0.00001; gnomAD 0.00001; TOPMed 0.00001.
gnomAD v4.1: 6 of 1,608,582 alleles (0.00037%); highest among the groups gnomAD compares: Admixed American, 0.0033%; no homozygotes.

Submission:

Labcorp Genetics (formerly Invitae), Labcorp
Classification: Uncertain significance for Multiple acyl-CoA dehydrogenase deficiency. Last evaluated: 2024-10-18. Review status: criteria provided, single submitter. Criteria: Invitae Variant Classification Sherloc (09022015). Collection method: clinical testing. Allele origin: germline.
Comment: This sequence change replaces phenylalanine, which is neutral and non-polar, with serine, which is neutral and polar, at codon 415 of the ETFDH protein (p.Phe415Ser). This variant is present in population databases (no rsID available, gnomAD 0.003%). This variant has not been reported in the literature in individuals affected with ETFDH-related conditions. ClinVar contains an entry for this variant (Variation ID: 2170179). Invitae Evidence Modeling of protein sequence and biophysical properties (such as structural, functional, and spatial information, amino acid conservation, physicochemical variation, residue mobility, and thermodynamic stability) indicates that this missense variant is not expected to disrupt ETFDH protein function with a negative predictive value of 80%. In summary, the available evidence is currently insufficient to determine the role of this variant in disease. Therefore, it has been classified as a Variant of Uncertain Significance.